The following is an entry in ClinVar:

ClinVar aggregate classification (germline): Likely benign (1 of 4 stars; one submission).

Conditions:
Hereditary diffuse gastric adenocarcinoma (HDGC). Also called: DIFFUSE GASTRIC AND LOBULAR BREAST CANCER SYNDROME. Identifiers: Orphanet 26106, MedGen C1708349, MONDO:0007648, OMIM 137215.

gnomAD v4.1: 1 of 1,613,648 alleles (0.000062%); highest among the groups gnomAD compares: Non-Finnish European, 0.000085%; no homozygotes.

Submission:

Myriad Genetics, Inc.
Classification: Likely benign for Hereditary diffuse gastric adenocarcinoma. Last evaluated: 2024-09-16. Review status: criteria provided, single submitter. Criteria: Myriad Autosomal Dominant, Autosomal Recessive and X-Linked Classification Criteria (2023). Collection method: clinical testing. Allele origin: unknown.
Comment: This variant is considered likely benign. This variant is intronic and is not expected to impact mRNA splicing.

NM_004360.5(CDH1):c.833-12G>C

Gene: CDH1 (cadherin 1; plus strand). Cytogenetic location: 16q22.1.
Variant type: single nucleotide variant.
Coding change: c.833-12G>C on transcript NM_004360.5 (MANE Select); 12 bases into the intron before coding-DNA position 833, G replaced by C.
Molecular consequence: intron variant.
Genome position (GRCh38, 1-based): chr16:68,811,672, G>C. VCF-style: chr16-68811672-G-C. GRCh37 (hg19) VCF-style: chr16-68845575-G-C.
Other names: c.-783-12G>C (NM_001317185.2); c.-987-12G>C (NM_001317186.2); c.833-12G>C (NM_001317184.2).
Identifiers: ClinVar variation 3378861 (VCV003378861.1).
Genomic context (GRCh38, chr16:68,811,672, plus strand): 5'-TTGGATTAAGCAGTATTGACCCAGTCCCAAAGTGCAGCTTGTCTAAACCTTCATCTCCTT[G>C]AACTCTTCCAGGAACCTCTGTGATGGAGGTCACAGCCACAGACGCGGACGATGATGTGAA-3'